The following is an entry in ClinVar:

ClinVar aggregate classification (germline): Uncertain significance (1 of 4 stars; one submission).

Submission:

GeneDx
Classification: Uncertain significance. Last evaluated: 2024-10-04. Review status: criteria provided, single submitter. Criteria: GeneDx Variant Classification Process June 2021. Collection method: clinical testing. Allele origin: germline. Affected: yes.
Comment: Not observed at significant frequency in large population cohorts (gnomAD); In silico analysis indicates that this missense variant does not alter protein structure/function; Has not been previously published as pathogenic or benign to our knowledge; This variant is associated with the following publications: (PMID: 21520338, 31554319, 9590290, 16718611)

NM_005422.4(TECTA):c.5822C>T (p.Ser1941Phe)

Genes: TBCEL-TECTA (TBCEL-TECTA readthrough; plus strand), TECTA (tectorin alpha; plus strand). Cytogenetic location: 11q23.3.
Variant type: single nucleotide variant.
Coding change: c.5822C>T on transcript NM_005422.4 (MANE Select); coding-DNA position 5822, C replaced by T.
Protein change: p.Ser1941Phe; replaces serine 1941 with phenylalanine.
Molecular consequence: missense variant.
Genome position (GRCh38, 1-based): chr11:121,168,748, C>T. VCF-style: chr11-121168748-C-T. GRCh37 (hg19) VCF-style: chr11-121039457-C-T.
Other names: c.6764C>T, p.Ser2255Phe (NM_001378761.1); short protein forms S1941F, S2255F.
Identifiers: ClinVar variation 3776561 (VCV003776561.1).